The following is an entry in ClinVar:

ClinVar aggregate classification (germline): Uncertain significance (1 of 4 stars; one submission).

Conditions:
Giant axonal neuropathy 1 (GAN1). Also called: GIANT AXONAL NEUROPATHY 1, AUTOSOMAL RECESSIVE; GAN-Related Neurodegeneration. Identifiers: Orphanet 643, MedGen C1850386, MONDO:0009749, OMIM 256850.

Allele frequency attached by ClinVar (database versions not stated): gnomAD 0.00001; TOPMed 0.00001.
gnomAD v4.1: 2 of 1,613,286 alleles (0.00012%); highest among the groups gnomAD compares: Non-Finnish European, 0.00017%; no homozygotes.

Submission:

Labcorp Genetics (formerly Invitae), Labcorp
Classification: Uncertain significance for Giant axonal neuropathy 1. Last evaluated: 2020-04-01. Review status: criteria provided, single submitter. Criteria: Invitae Variant Classification Sherloc (09022015). Collection method: clinical testing. Allele origin: germline.
Comment: In summary, the available evidence is currently insufficient to determine the role of this variant in disease. Therefore, it has been classified as a Variant of Uncertain Significance. Algorithms developed to predict the effect of missense changes on protein structure and function (SIFT, PolyPhen-2, Align-GVGD) all suggest that this variant is likely to be tolerated, but these predictions have not been confirmed by published functional studies and their clinical significance is uncertain. This variant is not present in population databases (ExAC no frequency). This sequence change replaces serine with cysteine at codon 398 of the GAN protein (p.Ser398Cys). The serine residue is weakly conserved and there is a moderate physicochemical difference between serine and cysteine. This variant has not been reported in the literature in individuals with GAN-related conditions.

NM_022041.4(GAN):c.1193C>G (p.Ser398Cys)

Gene: GAN (gigaxonin; plus strand). Cytogenetic location: 16q23.2.
Variant type: single nucleotide variant.
Coding change: c.1193C>G on transcript NM_022041.4 (MANE Select); coding-DNA position 1193, C replaced by G.
Protein change: p.Ser398Cys; replaces serine 398 with cysteine.
Molecular consequence: missense variant.
Genome position (GRCh38, 1-based): chr16:81,363,900, C>G. VCF-style: chr16-81363900-C-G. GRCh37 (hg19) VCF-style: chr16-81397505-C-G.
Other names: c.554C>G, p.Ser185Cys (NM_001377486.1); short protein forms S185C, S398C.
Identifiers: ClinVar variation 1053736 (VCV001053736.9), dbSNP rs1334144379, ClinGen allele CA396890680.